The following is an entry in ClinVar:

ClinVar aggregate classification (germline): Uncertain significance. Review status: criteria provided, multiple submitters, no conflicts (2 of 4 stars). 3 submissions from 3 submitters: Uncertain significance (3). Last evaluated 2025-09-03.

Conditions:
Hereditary cancer-predisposing syndrome. Also called: Neoplastic Syndromes, Hereditary; Hereditary neoplastic syndrome; Tumor predisposition; Hereditary Cancer Syndrome. Identifiers: Orphanet 140162, MedGen C0027672, MeSH D009386, MONDO:0015356.
Familial adenomatous polyposis 3. Also called: NTHL1-related attenuated familial adenomatous polyposis; NTHL1-Related Adenomatous Polyposis and Colorectal Cancer; NTHL1-associated polyposis; NTHL1 Tumor Syndrome. Identifiers: Orphanet 220460, Orphanet 454840, MedGen C4225157, MONDO:0014630, OMIM 616415.

gnomAD v4.1: 5 of 1,607,960 alleles (0.00031%); highest among the groups gnomAD compares: East Asian, 0.011%; no homozygotes.

Submissions (3):

Labcorp Genetics (formerly Invitae), Labcorp
Classification: Uncertain significance. Last evaluated: 2025-09-03. Review status: criteria provided, single submitter. Criteria: Invitae Variant Classification Sherloc (09022015). Collection method: clinical testing. Allele origin: germline.
Comment: This sequence change replaces valine, which is neutral and non-polar, with methionine, which is neutral and non-polar, at codon 233 of the NTHL1 protein (p.Val233Met). The frequency data for this variant in the population databases is considered unreliable, as metrics indicate poor data quality at this position in the gnomAD database. This variant has not been reported in the literature in individuals affected with NTHL1-related conditions. ClinVar contains an entry for this variant (Variation ID: 856448). An algorithm developed to predict the effect of missense changes on protein structure and function (PolyPhen-2) suggests that this variant is likely to be disruptive. In summary, the available evidence is currently insufficient to determine the role of this variant in disease. Therefore, it has been classified as a Variant of Uncertain Significance.

Ambry Genetics
Classification: Uncertain significance for Hereditary cancer-predisposing syndrome. Last evaluated: 2024-10-21. Review status: criteria provided, single submitter. Criteria: Ambry Variant Classification Scheme 2023. Collection method: clinical testing. Allele origin: germline.
Comment: The p.V233M variant (also known as c.697G>A), located in coding exon 4 of the NTHL1 gene, results from a G to A substitution at nucleotide position 697. The valine at codon 233 is replaced by methionine, an amino acid with highly similar properties. This amino acid position is conserved. In addition, the in silico prediction for this alteration is inconclusive. Since supporting evidence is limited at this time, the clinical significance of this alteration remains unclear.

St. Jude Molecular Pathology, St. Jude Children's Research Hospital
Classification: Uncertain significance for Familial adenomatous polyposis 3. Last evaluated: 2023-04-27. Review status: criteria provided, single submitter. Criteria: St. Jude Assertion Criteria 2020. Collection method: clinical testing. Allele origin: germline.
Comment: The NTHL1 c.673G>A (p.Val225Met) missense change has a maximum subpopulation frequency of 0.005% in gnomAD v2.1.1. The in silico tool REVEL is inconclusive about the effect of this variant on protein function, but functional studies have not been performed. This variant has not been reported in individuals with NTHL1-associated polyposis. In summary, the evidence currently available is insufficient to determine the clinical significance of this variant. It has therefore been classified as of uncertain significance.

NM_002528.7(NTHL1):c.673G>A (p.Val225Met)

Gene: NTHL1 (nth like DNA glycosylase 1; minus strand). Cytogenetic location: 16p13.3.
Variant type: single nucleotide variant.
Coding change: c.673G>A on transcript NM_002528.7 (MANE Select); coding-DNA position 673, G replaced by A.
Protein change: p.Val225Met; replaces valine 225 with methionine.
Molecular consequence: missense variant.
Genome position (GRCh38, 1-based): chr16:2,043,579, C>T on the plus strand (G>A on the coding strand, the complement: NTHL1 is on the minus strand). VCF-style: chr16-2043579-C-T. GRCh37 (hg19) VCF-style: chr16-2093580-C-T.
Other names: c.502G>A, p.Val168Met (NM_001318193.2); c.343G>A, p.Val115Met (NM_001318194.2); short protein forms V115M, V168M, V225M.
Identifiers: ClinVar variation 856448 (VCV000856448.11), dbSNP rs766473490, ClinGen allele CA394290870.